The following is an entry in ClinVar:

ClinVar aggregate classification (germline): Conflicting classifications of pathogenicity. Review status: criteria provided, conflicting classifications (1 of 4 stars). 2 submissions from 2 submitters: Uncertain significance (1); Likely benign (1). Last evaluated 2025-12-10.

Conditions:
Developmental and epileptic encephalopathy, 30 (DEE30). Also called: Epileptic encephalopathy, early infantile, 30. Identifiers: MedGen C4225360, MONDO:0014595, OMIM 616341.
Inborn genetic diseases. Identifiers: MedGen C0950123, MeSH D030342.

Submissions (2):

Labcorp Genetics (formerly Invitae), Labcorp
Classification: Uncertain significance for Developmental and epileptic encephalopathy, 30. Last evaluated: 2025-12-10. Review status: criteria provided, single submitter. Criteria: Invitae Variant Classification Sherloc (09022015). Collection method: clinical testing. Allele origin: germline.
Comment: This sequence change replaces threonine, which is neutral and polar, with methionine, which is neutral and non-polar, at codon 231 of the SIK1 protein (p.Thr231Met). This variant is present in population databases (rs770894429, gnomAD 0.007%). This variant has not been reported in the literature in individuals affected with SIK1-related conditions. ClinVar contains an entry for this variant (Variation ID: 2181702). Invitae Evidence Modeling of protein sequence and biophysical properties (such as structural, functional, and spatial information, amino acid conservation, physicochemical variation, residue mobility, and thermodynamic stability) indicates that this missense variant is not expected to disrupt SIK1 protein function with a negative predictive value of 95%. In summary, the available evidence is currently insufficient to determine the role of this variant in disease. Therefore, it has been classified as a Variant of Uncertain Significance.

Ambry Genetics
Classification: Likely benign for Inborn genetic diseases. Last evaluated: 2023-12-21. Review status: criteria provided, single submitter. Criteria: Ambry Variant Classification Scheme 2023. Collection method: clinical testing. Allele origin: germline.

NM_173354.5(SIK1):c.692C>T (p.Thr231Met)

Gene: SIK1 (salt inducible kinase 1; minus strand). Cytogenetic location: 21q22.3.
Variant type: single nucleotide variant.
Coding change: c.692C>T on transcript NM_173354.5 (MANE Select); coding-DNA position 692, C replaced by T.
Protein change: p.Thr231Met; replaces threonine 231 with methionine.
Molecular consequence: missense variant.
Genome position (GRCh38, 1-based): chr21:43,421,066, G>A on the plus strand (C>T on the coding strand, the complement: SIK1 is on the minus strand). VCF-style: chr21-43421066-G-A. GRCh37 (hg19) VCF-style: chr21-44840946-G-A.
Other names: c.692C>T (NM_173354.3); short protein forms T231M.
Identifiers: ClinVar variation 2181702 (VCV002181702.5), dbSNP rs770894429, ClinGen allele CA321327415.